The following is an entry in ClinVar:

ClinVar aggregate classification (germline): Likely benign. Review status: criteria provided, multiple submitters, no conflicts (2 of 4 stars). 3 submissions from 3 submitters: Likely benign (3). Last evaluated 2024-06-15.

Conditions:
Hereditary cancer-predisposing syndrome. Also called: Hereditary Cancer Syndrome; Hereditary neoplastic syndrome; Neoplastic Syndromes, Hereditary; Tumor predisposition. Identifiers: Orphanet 140162, MedGen C0027672, MeSH D009386, MONDO:0015356.
Familial cancer of breast. Also called: hereditary breast carcinoma; BREAST CANCER, FAMILIAL; Hereditary breast cancer. Identifiers: Orphanet 227535, MedGen C0346153, MONDO:0016419, OMIM 114480. Disease mechanism: loss of function.
Ataxia-telangiectasia syndrome (AT). Also called: Ataxia-telangiectasia, complementation group E; LOUIS-BAR SYNDROME; Cerebello-oculocutaneous telangiectasia; Immunodeficiency with ataxia telangiectasia; Ataxia-telangiectasia, complementation group D; AT, COMPLEMENTATION GROUP C. Identifiers: Orphanet 100, MedGen C0004135, MONDO:0008840, OMIM 208900.

Submissions (3):

Labcorp Genetics (formerly Invitae), Labcorp
Classification: Likely benign for Ataxia-telangiectasia syndrome. Last evaluated: 2024-06-15. Review status: criteria provided, single submitter. Criteria: Invitae Variant Classification Sherloc (09022015). Collection method: clinical testing. Allele origin: germline.

Myriad Genetics, Inc.
Classification: Likely benign for Familial cancer of breast. Last evaluated: 2024-05-01. Review status: criteria provided, single submitter. Criteria: Myriad Autosomal Dominant, Autosomal Recessive and X-Linked Classification Criteria (2023). Collection method: clinical testing. Allele origin: unknown.
Comment: This variant is considered likely benign. This variant is intronic and is not expected to impact mRNA splicing.

Color Diagnostics, LLC DBA Color Health
Classification: Likely benign for Hereditary cancer-predisposing syndrome. Last evaluated: 2018-10-09. Review status: criteria provided, single submitter. Criteria: ACMG Guidelines, 2015. Collection method: clinical testing. Allele origin: germline.

NM_000051.4(ATM):c.1803-15T>C

Gene: ATM (ATM serine/threonine kinase; plus strand). Cytogenetic location: 11q22.3.
Variant type: single nucleotide variant.
Coding change: c.1803-15T>C on transcript NM_000051.4 (MANE Select); 15 bases into the intron before coding-DNA position 1803, T replaced by C.
Molecular consequence: intron variant.
Genome position (GRCh38, 1-based): chr11:108,252,802, T>C. VCF-style: chr11-108252802-T-C. GRCh37 (hg19) VCF-style: chr11-108123529-T-C.
Other names: c.1803-15T>C (NM_001351834.2).
Identifiers: ClinVar variation 921607 (VCV000921607.8), dbSNP rs2080225396, ClinGen allele CA913188431.